The following is an entry in ClinVar:

ClinVar aggregate classification (germline): Conflicting classifications of pathogenicity. Review status: criteria provided, conflicting classifications (1 of 4 stars). 12 submissions from 11 submitters: Uncertain significance (2); Likely benign (9). 1 of the submissions does not count toward it. Last evaluated 2026-05-01.

Conditions:
RYR1-related disorder. Also called: RYR1-related disorders; RYR1-related condition. Identifiers: MedGen CN239331.
Inborn genetic diseases. Identifiers: MedGen C0950123, MeSH D030342.
Congenital multicore myopathy with external ophthalmoplegia (CMYO1B). Also called: MULTIMINICORE DISEASE WITH EXTERNAL OPHTHALMOPLEGIA; Congenital myopathy 1B, autosomal recessive; Minicore myopathy; MULTICORE MYOPATHY; Minicore myopathy with external ophthalmoplegia. Identifiers: Orphanet 598, Orphanet 98905, MedGen C1850674, MONDO:0009712, OMIM 255320, HP:0003789.
Malignant hyperthermia, susceptibility to, 1 (MHS1). Also called: Malignant hyperthermia suceptibility 1; RYR1-Related Malignant Hyperthermia Susceptibility; Anesthesia related hyperthermia; Malignant hyperpyrexia; Fulminating hyperpyrexia; Pharmacogenic myopathy. Identifiers: Orphanet 423, MedGen C2930980, MONDO:0007783, OMIM 145600.

Allele frequency attached by ClinVar (database versions not stated): gnomAD exomes 0.00012; ExAC 0.00014; ESP Exome Variant Server 0.00016; TOPMed 0.00016; gnomAD 0.00017 and 0.00018.
gnomAD v4.1: 272 of 1,555,106 alleles (0.017%); highest among the groups gnomAD compares: Non-Finnish European, 0.023%; no homozygotes.

Submissions (12):

CeGaT Center for Human Genetics Tuebingen
Classification: Likely benign. Last evaluated: 2026-05-01. Review status: criteria provided, single submitter. Criteria: CeGaT Center For Human Genetics Tuebingen Variant Classification Criteria Version 2. Collection method: clinical testing. Allele origin: germline. Affected: yes. Observed: 8 variant alleles.
Comment: RYR1: BP4, BP7

Labcorp Genetics (formerly Invitae), Labcorp
Classification: Likely benign for RYR1-related disorder. Last evaluated: 2026-01-18. Review status: criteria provided, single submitter. Criteria: Invitae Variant Classification Sherloc (09022015). Collection method: clinical testing. Allele origin: germline.

Ambry Genetics
Classification: Likely benign for Inborn genetic diseases. Last evaluated: 2025-08-10. Review status: criteria provided, single submitter. Criteria: Ambry Variant Classification Scheme 2023. Collection method: clinical testing. Allele origin: germline.

Mayo Clinic Laboratories, Mayo Clinic
Classification: Likely benign. Last evaluated: 2025-07-10. Review status: criteria provided, single submitter. Criteria: ACMG Guidelines, 2015. Collection method: clinical testing. Allele origin: germline. Observed: 2 variant alleles.
Comment: BP4, BP7

Revvity Omics, Revvity
Classification: Likely benign. Last evaluated: 2024-10-08. Review status: criteria provided, single submitter. Criteria: ACMG Guidelines, 2015. Collection method: clinical testing. Allele origin: germline.

Blueprint Genetics
Classification: Likely benign. Last evaluated: 2024-03-25. Review status: criteria provided, single submitter. Criteria: ACMG Guidelines, 2015. Collection method: clinical testing. Allele origin: germline.

Women's Health and Genetics/Laboratory Corporation of America, LabCorp
Classification: Likely benign. Last evaluated: 2024-02-16. Review status: criteria provided, single submitter. Criteria: LabCorp Variant Classification Summary - May 2015. Collection method: clinical testing. Allele origin: germline.

Color Diagnostics, LLC DBA Color Health
Classification: Likely benign for Malignant hyperthermia, susceptibility to, 1. Last evaluated: 2022-11-06. Review status: criteria provided, single submitter. Criteria: ACMG Guidelines, 2015. Collection method: clinical testing. Allele origin: germline.

GeneDx
Classification: Likely benign. Last evaluated: 2020-09-22. Review status: criteria provided, single submitter. Criteria: GeneDx Variant Classification Process June 2021. Collection method: clinical testing. Allele origin: germline. Affected: yes.

Illumina Laboratory Services, Illumina
Classification: Uncertain significance for Congenital multicore myopathy with external ophthalmoplegia. Last evaluated: 2018-01-12. Review status: criteria provided, single submitter. Criteria: ICSL Variant Classification Criteria 13 December 2019. Collection method: clinical testing. Allele origin: germline.

Illumina Laboratory Services, Illumina
Classification: Uncertain significance for Malignant hyperthermia, susceptibility to, 1. Last evaluated: 2018-01-12. Review status: criteria provided, single submitter. Criteria: ICSL Variant Classification Criteria 13 December 2019. Collection method: clinical testing. Allele origin: germline.

PreventionGenetics, part of Exact Sciences
Classification: Likely benign for RYR1-related condition. Last evaluated: 2019-09-17. Review status: no assertion criteria provided. Collection method: clinical testing. Allele origin: germline. Not counted in ClinVar's aggregate classification.
Comment: This variant is classified as likely benign based on ACMG/AMP sequence variant interpretation guidelines (Richards et al. 2015 PMID: 25741868, with internal and published modifications).

NM_000540.3(RYR1):c.4911G>A (p.Ala1637=)

Gene: RYR1 (ryanodine receptor 1; plus strand). Cytogenetic location: 19q13.2.
Variant type: single nucleotide variant.
Coding change: c.4911G>A on transcript NM_000540.3 (MANE Select); coding-DNA position 4911, G replaced by A.
Protein change: p.Ala1637=; no amino-acid change (alanine 1637 retained).
Molecular consequence: synonymous variant.
Genome position (GRCh38, 1-based): chr19:38,483,493, G>A. VCF-style: chr19-38483493-G-A. GRCh37 (hg19) VCF-style: chr19-38974133-G-A.
Other names: p.Ala1637=; c.4911G>A, p.Ala1637= (NM_001042723.2).
Identifiers: ClinVar variation 425179 (VCV000425179.68), dbSNP rs370350821, ClinGen allele CA066513.